The following is an entry in ClinVar:

NM_000368.5(TSC1):c.2885T>C (p.Ile962Thr)

Gene: TSC1 (TSC complex subunit 1; minus strand). Cytogenetic location: 9q34.13.
Variant type: single nucleotide variant.
Coding change: c.2885T>C on transcript NM_000368.5 (MANE Select); coding-DNA position 2885, T replaced by C.
Protein change: p.Ile962Thr; replaces isoleucine 962 with threonine.
Molecular consequence: missense variant. On other transcripts: non-coding transcript variant (5).
Genome position (GRCh38, 1-based): chr9:132,897,274, A>G on the plus strand (T>C on the coding strand, the complement: TSC1 is on the minus strand). VCF-style: chr9-132897274-A-G. GRCh37 (hg19) VCF-style: chr9-135772661-A-G.
Other names: c.2885T>C, p.Ile962Thr (NM_001406593.1, NM_001406594.1, NM_001406595.1 and 2 more transcripts); c.2882T>C, p.Ile961Thr (NM_001406597.1, NM_001406598.1, NM_001406599.1 and 2 more transcripts); c.2870T>C, p.Ile957Thr (NM_001406601.1, NM_001406602.1); c.2732T>C, p.Ile911Thr (NM_001162427.2, NM_001406610.1); c.2522T>C, p.Ile841Thr (NM_001362177.2, NM_001406614.1, NM_001406615.1 and 4 more transcripts); c.2843T>C, p.Ile948Thr (NM_001406605.1, NM_001406606.1, NM_001406607.1); c.2840T>C, p.Ile947Thr (NM_001406608.1, NM_001406609.1); c.2729T>C, p.Ile910Thr (NM_001406611.1, NM_001406612.1); and 8 more; short protein forms I611T, I645T, I826T, I840T, I962T, I644T, I910T, I947T.
Identifiers: ClinVar variation 2861500 (VCV002861500.3), dbSNP rs1438535722, ClinGen allele CA375368788.

ClinVar aggregate classification (germline): Uncertain significance (1 of 4 stars; one submission).

Conditions:
Tuberous sclerosis 1 (TSC1). Identifiers: Orphanet 805, MedGen C1854465, MONDO:0008612, OMIM 191100.

Submission:

Labcorp Genetics (formerly Invitae), Labcorp
Classification: Uncertain significance for Tuberous sclerosis 1. Last evaluated: 2023-05-02. Review status: criteria provided, single submitter. Criteria: Invitae Variant Classification Sherloc (09022015). Collection method: clinical testing. Allele origin: germline.
Comment: This sequence change replaces isoleucine, which is neutral and non-polar, with threonine, which is neutral and polar, at codon 962 of the TSC1 protein (p.Ile962Thr). This variant is not present in population databases (gnomAD no frequency). In summary, the available evidence is currently insufficient to determine the role of this variant in disease. Therefore, it has been classified as a Variant of Uncertain Significance. Advanced modeling of protein sequence and biophysical properties (such as structural, functional, and spatial information, amino acid conservation, physicochemical variation, residue mobility, and thermodynamic stability) performed at Invitae indicates that this missense variant is not expected to disrupt TSC1 protein function. This variant has not been reported in the literature in individuals affected with TSC1-related conditions.